The following is an entry in ClinVar:

NM_016203.4(PRKAG2):c.1478C>T (p.Thr493Met)

Gene: PRKAG2 (protein kinase AMP-activated non-catalytic subunit gamma 2; minus strand). Cytogenetic location: 7q36.1.
Variant type: single nucleotide variant.
Coding change: c.1478C>T on transcript NM_016203.4 (MANE Select); coding-DNA position 1478, C replaced by T.
Protein change: p.Thr493Met; replaces threonine 493 with methionine.
Molecular consequence: missense variant.
Genome position (GRCh38, 1-based): chr7:151,564,184, G>A on the plus strand (C>T on the coding strand, the complement: PRKAG2 is on the minus strand). VCF-style: chr7-151564184-G-A. GRCh37 (hg19) VCF-style: chr7-151261270-G-A.
Other names: c.1103C>T, p.Thr368Met (NM_001407029.1, NM_001304527.2); c.1190C>T, p.Thr397Met (NM_001407030.1); c.1187C>T, p.Thr396Met (NM_001407031.1); c.1160C>T, p.Thr387Met (NM_001407032.1); c.1154C>T, p.Thr385Met (NM_001407033.1); c.755C>T, p.Thr252Met (NM_001407034.1, NM_001407035.1, NM_001304531.2 and 1 more transcripts); c.752C>T, p.Thr251Met (NM_001407036.1, NM_001407039.1, NM_001407040.1); c.815C>T, p.Thr272Met (NM_001407037.1); and 7 more; short protein forms T268M, T397M, T492M, T252M, T272M, T448M, T493M, T251M.
Identifiers: ClinVar variation 4742732 (VCV004742732.2).
Genomic context (GRCh38, chr7:151,564,184, plus strand): 5'-TTATTGCACTTCACAACACCTTCAAAATACTGTGAACGGTGCTGAAGGGCCTGGGTCACC[G>A]TGATATCTAGGTTATTGTATGTTTTCTCAGCAGCAAGATTCTGTAATGAAGCAAGAGAAT-3'
Protein context (NP_057287.2, residues 483-503): AEKTYNNLDI[Thr493Met]VTQALQHRSQ

ClinVar aggregate classification (germline): Uncertain significance. Review status: criteria provided, multiple submitters, no conflicts (2 of 4 stars). 2 submissions from 2 submitters: Uncertain significance (2). Last evaluated 2026-07-31.

Conditions:
Lethal congenital glycogen storage disease of heart. Also called: GLYCOGEN STORAGE DISEASE OF HEART; PHOSPHORYLASE KINASE DEFICIENCY OF HEART. Identifiers: Orphanet 439854, MedGen C1849813, MONDO:0009867, OMIM 261740.
Cardiovascular phenotype. Identifiers: MedGen CN230736.

gnomAD v4.1: 3 of 1,614,140 alleles (0.00019%); highest among the groups gnomAD compares: Non-Finnish European, 0.00025%; no homozygotes.

Submissions (2):

Ambry Genetics
Classification: Uncertain significance for Cardiovascular phenotype. Last evaluated: 2026-07-31. Review status: criteria provided, single submitter. Criteria: Ambry Variant Classification Scheme 2023. Collection method: clinical testing. Allele origin: germline.
Comment: The p.T493M variant (also known as c.1478C>T), located in coding exon 14 of the PRKAG2 gene, results from a C to T substitution at nucleotide position 1478. The threonine at codon 493 is replaced by methionine, an amino acid with similar properties. This amino acid position is conserved. In addition, this alteration is predicted to be deleterious by in silico analysis. Based on the available evidence, the clinical significance of this variant remains unclear.

Labcorp Genetics (formerly Invitae), Labcorp
Classification: Uncertain significance for Lethal congenital glycogen storage disease of heart. Last evaluated: 2025-05-17. Review status: criteria provided, single submitter. Criteria: Invitae Variant Classification Sherloc (09022015). Collection method: clinical testing. Allele origin: germline.
Comment: This sequence change replaces threonine, which is neutral and polar, with methionine, which is neutral and non-polar, at codon 493 of the PRKAG2 protein (p.Thr493Met). This variant is not present in population databases (gnomAD no frequency). This variant has not been reported in the literature in individuals affected with PRKAG2-related conditions. Invitae Evidence Modeling of protein sequence and biophysical properties (such as structural, functional, and spatial information, amino acid conservation, physicochemical variation, residue mobility, and thermodynamic stability) has been performed for this missense variant. However, the output from this modeling did not meet the statistical confidence thresholds required to predict the impact of this variant on PRKAG2 protein function. In summary, the available evidence is currently insufficient to determine the role of this variant in disease. Therefore, it has been classified as a Variant of Uncertain Significance.